The following is an entry in ClinVar:

NM_001018005.2(TPM1):c.43A>G (p.Lys15Glu)

Gene: TPM1 (tropomyosin 1; plus strand). Cytogenetic location: 15q22.2.
Variant type: single nucleotide variant.
Coding change: c.43A>G on transcript NM_001018005.2 (MANE Select); coding-DNA position 43, A replaced by G.
Protein change: p.Lys15Glu; replaces lysine 15 with glutamic acid.
Molecular consequence: missense variant. On other transcripts: non-coding transcript variant (11).
Genome position (GRCh38, 1-based): chr15:63,042,872, A>G. VCF-style: chr15-63042872-A-G. GRCh37 (hg19) VCF-style: chr15-63335071-A-G.
Other names: c.43A>G, p.Lys15Glu (NM_000366.6, NM_001018004.2, NM_001018006.2 and 24 more transcripts); short protein forms K15E.
Identifiers: ClinVar variation 2839372 (VCV002839372.3), dbSNP rs2542412135, ClinGen allele CA392718009.
Genomic context (GRCh38, chr15:63,042,872, plus strand): 5'-CCCCTCGCCGCCGCCACCATGGACGCCATCAAGAAGAAGATGCAGATGCTGAAGCTCGAC[A>G]AGGAGAACGCCTTGGATCGAGCTGAGCAGGCGGAGGCCGACAAGAAGGCGGCGGAAGACA-3'
Protein context (NP_001018005.1, residues 5-25): KKKMQMLKLD[Lys15Glu]ENALDRAEQA

ClinVar aggregate classification (germline): Uncertain significance (1 of 4 stars; one submission).

Conditions:
Hypertrophic cardiomyopathy. Also called: HYPERTROPHIC MYOCARDIOPATHY. Identifiers: Orphanet 217569, MedGen C0007194, MeSH D002312, MONDO:0005045, HP:0001639.

Submission:

Labcorp Genetics (formerly Invitae), Labcorp
Classification: Uncertain significance for Hypertrophic cardiomyopathy. Last evaluated: 2023-02-21. Review status: criteria provided, single submitter. Criteria: Invitae Variant Classification Sherloc (09022015). Collection method: clinical testing. Allele origin: germline.
Comment: In summary, the available evidence is currently insufficient to determine the role of this variant in disease. Therefore, it has been classified as a Variant of Uncertain Significance. This variant disrupts the p.Lys15Asn amino acid residue in TPM1. Other variant(s) that disrupt this residue have been determined to be pathogenic (PMID: 20215591, 28732641). This suggests that this residue is clinically significant, and that variants that disrupt this residue are likely to be disease-causing. An algorithm developed to predict the effect of missense changes on protein structure and function (PolyPhen-2) suggests that this variant is likely to be disruptive. This variant has not been reported in the literature in individuals affected with TPM1-related conditions. This variant is not present in population databases (gnomAD no frequency). This sequence change replaces lysine, which is basic and polar, with glutamic acid, which is acidic and polar, at codon 15 of the TPM1 protein (p.Lys15Glu).

Literature cited by the submitters: PubMed 20215591; PubMed 28732641.